The following is an entry in ClinVar:

NM_020738.4(KIDINS220):c.3379G>A (p.Gly1127Ser)

Gene: KIDINS220 (kinase D interacting substrate 220; minus strand). Cytogenetic location: 2p25.1.
Variant type: single nucleotide variant.
Coding change: c.3379G>A on transcript NM_020738.4 (MANE Select); coding-DNA position 3379, G replaced by A.
Protein change: p.Gly1127Ser; replaces glycine 1127 with serine.
Molecular consequence: missense variant. On other transcripts: non-coding transcript variant (2).
Genome position (GRCh38, 1-based): chr2:8,750,147, C>T on the plus strand (G>A on the coding strand, the complement: KIDINS220 is on the minus strand). VCF-style: chr2-8750147-C-T. GRCh37 (hg19) VCF-style: chr2-8890277-C-T.
Other names: c.3379G>A (NM_020738.2); c.3382G>A, p.Gly1128Ser (NM_001348729.2, NM_001348731.2, NM_001348734.2 and 2 more transcripts); c.3379G>A, p.Gly1127Ser (NM_001348732.2, NM_001348735.2, NM_001348738.2 and 3 more transcripts); c.3253G>A, p.Gly1085Ser (NM_001348736.2); short protein forms G1085S, G1128S, G1127S.
Identifiers: ClinVar variation 1422983 (VCV001422983.9), dbSNP rs201693934, ClinGen allele CA1519682.

ClinVar aggregate classification (germline): Uncertain significance. Review status: criteria provided, multiple submitters, no conflicts (2 of 4 stars). 2 submissions from 2 submitters: Uncertain significance (2). Last evaluated 2025-06-14.

Conditions:
KIDINS220-related disorder. Also called: KIDINS220-related condition.

Allele frequency attached by ClinVar (database versions not stated): gnomAD 0.00009; ExAC 0.00012.
gnomAD v4.1: 112 of 1,613,982 alleles (0.0069%); highest among the groups gnomAD compares: Admixed American, 0.013%; no homozygotes.

Submissions (2):

Labcorp Genetics (formerly Invitae), Labcorp
Classification: Uncertain significance. Last evaluated: 2025-06-14. Review status: criteria provided, single submitter. Criteria: Invitae Variant Classification Sherloc (09022015). Collection method: clinical testing. Allele origin: germline.
Comment: This sequence change replaces glycine, which is neutral and non-polar, with serine, which is neutral and polar, at codon 1127 of the KIDINS220 protein (p.Gly1127Ser). This variant is present in population databases (rs201693934, gnomAD 0.03%). This variant has not been reported in the literature in individuals affected with KIDINS220-related conditions. ClinVar contains an entry for this variant (Variation ID: 1422983). An algorithm developed to predict the effect of missense changes on protein structure and function (PolyPhen-2) suggests that this variant is likely to be disruptive. In summary, the available evidence is currently insufficient to determine the role of this variant in disease. Therefore, it has been classified as a Variant of Uncertain Significance.

PreventionGenetics, part of Exact Sciences
Classification: Uncertain significance for KIDINS220-related condition. Last evaluated: 2025-03-27. Review status: criteria provided, single submitter. Criteria: ACMG Guidelines, 2015. Collection method: clinical testing. Allele origin: germline.
Comment: The KIDINS220 c.3379G>A variant is predicted to result in the amino acid substitution p.Gly1127Ser. To our knowledge, this variant has not been reported in the literature. This variant is reported in 0.024% of alleles in individuals of European (Finnish) descent in gnomAD. At this time, the clinical significance of this variant is uncertain due to the absence of conclusive functional and genetic evidence.